The following is an entry in ClinVar:

ClinVar aggregate classification (germline): Pathogenic/Likely pathogenic. Review status: criteria provided, multiple submitters, no conflicts (2 of 4 stars). 2 submissions from 2 submitters: Pathogenic (1); Likely pathogenic (1). Last evaluated 2025-01-30.

Conditions:
CDHR1-related disorders.

Allele frequency attached by ClinVar (database versions not stated): gnomAD exomes 0.00001.
gnomAD v4.1: 3 of 1,614,154 alleles (0.00019%); highest among the groups gnomAD compares: Non-Finnish European, 0.00025%; no homozygotes.

Submissions (2):

Labcorp Genetics (formerly Invitae), Labcorp
Classification: Pathogenic. Last evaluated: 2025-01-30. Review status: criteria provided, single submitter. Criteria: Invitae Variant Classification Sherloc (09022015). Collection method: clinical testing. Allele origin: germline.
Comment: This sequence change creates a premature translational stop signal (p.Glu680*) in the CDHR1 gene. While this is not anticipated to result in nonsense mediated decay, it is expected to disrupt the last 180 amino acid(s) of the CDHR1 protein. This variant is not present in population databases (gnomAD no frequency). This variant has not been reported in the literature in individuals affected with CDHR1-related conditions. ClinVar contains an entry for this variant (Variation ID: 2008868). This variant disrupts a region of the CDHR1 protein in which other variant(s) (p.Gly703Valfs*138) have been determined to be pathogenic (PMID: 32141364; internal data). This suggests that this is a clinically significant region of the protein, and that variants that disrupt it are likely to be disease-causing. For these reasons, this variant has been classified as Pathogenic.

Blueprint Genetics
Classification: Likely pathogenic for CDHR1-related disorders. Last evaluated: 2024-10-22. Review status: criteria provided, single submitter. Criteria: ACMG Guidelines, 2015. Collection method: clinical testing. Allele origin: germline. Affected: yes. Observed: 1 variant allele.

Literature cited by the submitters: PubMed 32141364 (cited by Labcorp Genetics (formerly Invitae), Labcorp).

NM_033100.4(CDHR1):c.2038G>T (p.Glu680Ter)

Gene: CDHR1 (cadherin related family member 1; plus strand). Cytogenetic location: 10q23.1.
Variant type: single nucleotide variant.
Coding change: c.2038G>T on transcript NM_033100.4 (MANE Select); coding-DNA position 2038, G replaced by T.
Protein change: p.Glu680Ter; replaces glutamic acid 680 with a stop codon.
Molecular consequence: nonsense.
Genome position (GRCh38, 1-based): chr10:84,213,346, G>T. VCF-style: chr10-84213346-G-T. GRCh37 (hg19) VCF-style: chr10-85973102-G-T.
Other names: c.2038G>T, p.Glu680Ter (NM_001171971.3); short protein forms E680*.
Identifiers: ClinVar variation 2008868 (VCV002008868.5), dbSNP rs2492544964, ClinGen allele CA377378781.